The following is an entry in ClinVar:

NM_000170.3(GLDC):c.2339del (p.Leu780fs)

Gene: GLDC (glycine decarboxylase; minus strand). Cytogenetic location: 9p24.1.
Variant type: Deletion.
Coding change: c.2339del on transcript NM_000170.3 (MANE Select); coding-DNA position 2339, one base deleted (T; older notation c.2339delT).
Protein change: p.Leu780fs; shifts the reading frame from leucine 780.
Molecular consequence: frameshift variant.
Genome position (GRCh38, 1-based): chr9:6,553,486, A deleted on the plus strand (T on the coding strand, the reverse complement: GLDC is on the minus strand); the first of 5 consecutive A bases (chr9:6,553,486-6,553,490); deleting any one gives the same sequence. VCF-style (leftmost placement, unchanged base first): chr9-6553485-CA-C. GRCh37 (hg19) VCF-style: chr9-6553485-CA-C.
Other names: short protein forms L780fs.
Identifiers: ClinVar variation 5010584 (VCV005010584.1).

ClinVar aggregate classification (germline): Pathogenic (1 of 4 stars; one submission).

Conditions:
Glycine encephalopathy 1 (GCE1). Identifiers: MedGen CN376801, MONDO:0958179, OMIM 605899.

Submission:

Myriad Genetics, Inc.
Classification: Pathogenic for Glycine encephalopathy 1. Last evaluated: 2023-12-08. Review status: criteria provided, single submitter. Criteria: Myriad Autosomal Dominant, Autosomal Recessive and X-Linked Classification Criteria (2023). Collection method: clinical testing. Allele origin: unknown.
Comment: NM_000170.2(GLDC):c.2339delT(L780Cfs*9) is expected to be pathogenic in the context of glycine encephalopathy, GLDC-related. This variant is predicted to lead to an abnormal or absent protein product due to the creation of a premature termination codon in GLDC, a gene where loss-of-function variants are known to be pathogenic. Please note: this variant was assessed in the context of healthy population screening.